The following is an entry in ClinVar:

NM_001122630.2(CDKN1C):c.97C>T (p.Arg33Cys)

Gene: CDKN1C (cyclin dependent kinase inhibitor 1C; minus strand). Cytogenetic location: 11p15.4.
Variant type: single nucleotide variant.
Coding change: c.97C>T on transcript NM_001122630.2 (MANE Select); coding-DNA position 97, C replaced by T.
Protein change: p.Arg33Cys; replaces arginine 33 with cysteine.
Molecular consequence: missense variant.
Genome position (GRCh38, 1-based): chr11:2,885,360, G>A on the plus strand (C>T on the coding strand, the complement: CDKN1C is on the minus strand). VCF-style: chr11-2885360-G-A. GRCh37 (hg19) VCF-style: chr11-2906590-G-A.
Other names: c.130C>T, p.Arg44Cys (NM_000076.2, NM_001362474.2); c.97C>T, p.Arg33Cys (NM_001122631.2, NM_001362475.2); short protein forms R44C, R33C.
Identifiers: ClinVar variation 844933 (VCV000844933.12), dbSNP rs956525226, ClinGen allele CA216367471.

ClinVar aggregate classification (germline): Uncertain significance. Review status: criteria provided, multiple submitters, no conflicts (2 of 4 stars). 4 submissions from 4 submitters: Uncertain significance (4). Last evaluated 2025-11-17.

Conditions:
IMAGe syndrome. Also called: Intrauterine growth retardation, metaphyseal dysplasia, adrenal hypoplasia congenita, and genital anomalies; Intrauterine Growth Restriction, Metaphyseal Dysplasia, Adrenal Hypoplasia Congenita, and Genital Anomalies. Identifiers: Orphanet 85173, MedGen C1846009, MONDO:0013873, OMIM 614732.
Beckwith-Wiedemann syndrome (BWS). Also called: Exomphalos macroglossia gigantism syndrome; EMG SYNDROME. Identifiers: Orphanet 116, MedGen C0004903, MONDO:0007534, OMIM 130650.

Allele frequency attached by ClinVar (database versions not stated): gnomAD exomes below 0.00001; gnomAD 0.00001; TOPMed 0.00003.

Submissions (4):

Labcorp Genetics (formerly Invitae), Labcorp
Classification: Uncertain significance for Beckwith-Wiedemann syndrome. Last evaluated: 2025-11-17. Review status: criteria provided, single submitter. Criteria: Invitae Variant Classification Sherloc (09022015). Collection method: clinical testing. Allele origin: germline.
Comment: This sequence change replaces arginine, which is basic and polar, with cysteine, which is neutral and slightly polar, at codon 44 of the CDKN1C protein (p.Arg44Cys). The frequency data for this variant in the population databases is considered unreliable, as metrics indicate poor data quality at this position in the gnomAD database. This variant has not been reported in the literature in individuals affected with CDKN1C-related conditions. ClinVar contains an entry for this variant (Variation ID: 844933). Invitae Evidence Modeling of protein sequence and biophysical properties (such as structural, functional, and spatial information, amino acid conservation, physicochemical variation, residue mobility, and thermodynamic stability) indicates that this missense variant is not expected to disrupt CDKN1C protein function with a negative predictive value of 80%. In summary, the available evidence is currently insufficient to determine the role of this variant in disease. Therefore, it has been classified as a Variant of Uncertain Significance.

St. Jude Molecular Pathology, St. Jude Children's Research Hospital
Classification: Uncertain significance for Beckwith-Wiedemann syndrome. Last evaluated: 2022-10-04. Review status: criteria provided, single submitter. Criteria: St. Jude Assertion Criteria 2020. Collection method: clinical testing. Allele origin: germline.
Comment: The CDKN1C c.130C>T (p.Arg44Cys) missense change has a maximum subpopulation frequency of 0.0098% in gnomAD v2.1.1. The in silico tool REVEL is inconclusive about a pathogenic or benign effect of this variant on protein function, and to our knowledge functional studies have not been performed. To our knowledge, this variant has not been reported in individuals with Beckwith-Wiedemann syndrome or IMAGE syndrome. In summary, the evidence currently available is insufficient to determine the clinical significance of this variant. It has therefore been classified as of uncertain significance.

Revvity Omics, Revvity
Classification: Uncertain significance. Last evaluated: 2022-07-21. Review status: criteria provided, single submitter. Criteria: ACMG Guidelines, 2015. Collection method: clinical testing. Allele origin: germline.

Fulgent Genetics
Classification: Uncertain significance for Beckwith-Wiedemann syndrome; IMAGe syndrome. Last evaluated: 2022-01-11. Review status: criteria provided, single submitter. Criteria: ACMG Guidelines, 2015. Collection method: clinical testing. Allele origin: unknown.